The following is an entry in ClinVar:

NM_004991.4(MECOM):c.1448C>A (p.Thr483Lys)

Gene: MECOM (MDS1 and EVI1 complex locus; minus strand). Cytogenetic location: 3q26.2.
Variant type: single nucleotide variant.
Coding change: c.1448C>A on transcript NM_004991.4 (MANE Select); coding-DNA position 1448, C replaced by A.
Protein change: p.Thr483Lys; replaces threonine 483 with lysine.
Molecular consequence: missense variant. On other transcripts: intron variant (2).
Genome position (GRCh38, 1-based): chr3:169,116,424, G>T on the plus strand (C>A on the coding strand, the complement: MECOM is on the minus strand). VCF-style: chr3-169116424-G-T. GRCh37 (hg19) VCF-style: chr3-168834212-G-T.
Other names: c.1079C>A, p.Thr360Lys (NM_001105077.4); c.884C>A, p.Thr295Lys (NM_001105078.4, NM_001164000.2, NM_001205194.2 and 4 more transcripts); c.887C>A, p.Thr296Lys (NM_001163999.2, NM_001366467.2, NM_001366468.2 and 1 more transcripts); c.1448C>A, p.Thr483Lys (NM_001366466.2); c.1133-657C>A (NM_001366473.2); c.569-657C>A (NM_001366474.2); short protein forms T295K, T483K, T296K, T360K.
Identifiers: ClinVar variation 3871836 (VCV003871836.1).

ClinVar aggregate classification (germline): Uncertain significance (1 of 4 stars; one submission).

Conditions:
Inborn genetic diseases. Identifiers: MedGen C0950123, MeSH D030342.

Submission:

Ambry Genetics
Classification: Uncertain significance for Inborn genetic diseases. Last evaluated: 2025-02-15. Review status: criteria provided, single submitter. Criteria: Ambry Variant Classification Scheme 2023. Collection method: clinical testing. Allele origin: germline.
Comment: The p.T483K variant (also known as c.1448C>A), located in coding exon 8 of the MECOM gene, results from a C to A substitution at nucleotide position 1448. The threonine at codon 483 is replaced by lysine, an amino acid with similar properties. This amino acid position is conserved. In addition, this alteration is predicted to be tolerated by in silico analysis. Based on the available evidence, the clinical significance of this variant remains unclear.